The following is an entry in ClinVar:

NM_001029896.2(WDR45):c.973+6T>C

Gene: WDR45 (WD repeat domain 45; minus strand). Cytogenetic location: Xp11.23.
Variant type: single nucleotide variant.
Coding change: c.973+6T>C on transcript NM_001029896.2 (MANE Select); 6 bases into the intron after coding-DNA position 973, T replaced by C.
Molecular consequence: intron variant.
Genome position (GRCh38, 1-based): chrX:49,075,130, A>G on the plus strand (T>C on the coding strand, the complement: WDR45 is on the minus strand). VCF-style: chrX-49075130-A-G. GRCh37 (hg19) VCF-style: chrX-48932789-A-G.
Other names: c.976+6T>C (NM_007075.4).
Identifiers: ClinVar variation 1443925 (VCV001443925.6), dbSNP rs1195813455, ClinGen allele CA641522965.

ClinVar aggregate classification (germline): Uncertain significance (1 of 4 stars; one submission).

Conditions:
Neurodegeneration with brain iron accumulation 5 (NBIA5). Also called: Beta-propeller protein-associated neurodegeneration; STATIC ENCEPHALOPATHY OF CHILDHOOD WITH NEURODEGENERATION IN ADULTHOOD. Identifiers: Orphanet 329284, MedGen C3550973, MONDO:0010476, OMIM 300894.

Allele frequency attached by ClinVar (database versions not stated): gnomAD exomes 0.00001; TOPMed 0.00001; gnomAD 0.00002.
gnomAD v4.1: 11 of 1,208,371 alleles (0.00091%); highest among the groups gnomAD compares: Non-Finnish European, 0.0012%; no homozygotes.

Submission:

Labcorp Genetics (formerly Invitae), Labcorp
Classification: Uncertain significance for Neurodegeneration with brain iron accumulation 5. Last evaluated: 2021-04-23. Review status: criteria provided, single submitter. Criteria: Invitae Variant Classification Sherloc (09022015). Collection method: clinical testing. Allele origin: germline.
Comment: This sequence change falls in intron 11 of the WDR45 gene. It does not directly change the encoded amino acid sequence of the WDR45 protein. It affects a nucleotide within the consensus splice site of the intron. In summary, the available evidence is currently insufficient to determine the role of this variant in disease. Therefore, it has been classified as a Variant of Uncertain Significance. Nucleotide substitutions within the consensus splice site are a relatively common cause of aberrant splicing (PMID: 17576681, 9536098). Algorithms developed to predict the effect of sequence changes on RNA splicing suggest that this variant may disrupt the consensus splice site, but this prediction has not been confirmed by published transcriptional studies. This variant has not been reported in the literature in individuals with WDR45-related conditions. This variant is not present in population databases (ExAC no frequency).

Literature cited by the submitters: PubMed 17576681; PubMed 9536098.